The following is an entry in ClinVar:

NM_032119.4(ADGRV1):c.4441C>T (p.Gln1481Ter)

Gene: ADGRV1 (adhesion G protein-coupled receptor V1; plus strand). Cytogenetic location: 5q14.3.
Variant type: single nucleotide variant.
Coding change: c.4441C>T on transcript NM_032119.4 (MANE Select); coding-DNA position 4441, C replaced by T.
Protein change: p.Gln1481Ter; replaces glutamine 1481 with a stop codon.
Molecular consequence: nonsense. On other transcripts: non-coding transcript variant (1).
Genome position (GRCh38, 1-based): chr5:90,657,967, C>T. VCF-style: chr5-90657967-C-T. GRCh37 (hg19) VCF-style: chr5-89953784-C-T.
Other names: short protein forms Q1481*.
Identifiers: ClinVar variation 1691602 (VCV001691602.9), dbSNP rs973342972, ClinGen allele CA121841180.

ClinVar aggregate classification (germline): Pathogenic/Likely pathogenic. Review status: criteria provided, multiple submitters, no conflicts (2 of 4 stars). 2 submissions from 2 submitters: Pathogenic (1); Likely pathogenic (1). Last evaluated 2025-08-16.

Allele frequency attached by ClinVar (database versions not stated): TOPMed 0.00002; gnomAD 0.00001.

Submissions (2):

Labcorp Genetics (formerly Invitae), Labcorp
Classification: Pathogenic. Last evaluated: 2025-08-16. Review status: criteria provided, single submitter. Criteria: Invitae Variant Classification Sherloc (09022015). Collection method: clinical testing. Allele origin: germline.
Comment: This sequence change creates a premature translational stop signal (p.Gln1481*) in the ADGRV1 gene. It is expected to result in an absent or disrupted protein product. Loss-of-function variants in ADGRV1 are known to be pathogenic (PMID: 19357117, 22135276, 22147658, 26226137, 30718709, 31047384, 32467589). This variant is not present in population databases (gnomAD no frequency). This variant has not been reported in the literature in individuals affected with ADGRV1-related conditions. ClinVar contains an entry for this variant (Variation ID: 1691602). For these reasons, this variant has been classified as Pathogenic.

GeneDx
Classification: Likely pathogenic. Last evaluated: 2025-02-03. Review status: criteria provided, single submitter. Criteria: GeneDx Variant Classification Process June 2021. Collection method: clinical testing. Allele origin: germline. Affected: yes.
Comment: Nonsense variant predicted to result in protein truncation or nonsense mediated decay in a gene for which loss of function is a known mechanism of disease; Not observed at significant frequency in large population cohorts (gnomAD); Has not been previously published as pathogenic or benign to our knowledge

Literature cited by the submitters: PubMed 19357117 (cited by Labcorp Genetics (formerly Invitae), Labcorp); PubMed 22135276 (cited by Labcorp Genetics (formerly Invitae), Labcorp); PubMed 22147658 (cited by Labcorp Genetics (formerly Invitae), Labcorp); PubMed 26226137 (cited by Labcorp Genetics (formerly Invitae), Labcorp); PubMed 30718709 (cited by Labcorp Genetics (formerly Invitae), Labcorp); PubMed 31047384 (cited by Labcorp Genetics (formerly Invitae), Labcorp); PubMed 32467589 (cited by Labcorp Genetics (formerly Invitae), Labcorp).